The following is an entry in ClinVar:

ClinVar aggregate classification (germline): Uncertain significance (1 of 4 stars; one submission).

Conditions:
Cutis laxa, X-linked (OHS). Also called: EDS IX; Occipital horn syndrome. Identifiers: Orphanet 198, MedGen C0268353, MONDO:0010572, OMIM 304150.
X-linked distal spinal muscular atrophy type 3. Also called: ATP7A-Related Distal Motor Neuropathy; SPINAL MUSCULAR ATROPHY, DISTAL, X-LINKED RECESSIVE; NEUROPATHY, DISTAL HEREDITARY MOTOR, X-LINKED; NEURONOPATHY, DISTAL HEREDITARY MOTOR, X-LINKED. Identifiers: Orphanet 139557, MedGen C1845359, MONDO:0010338, OMIM 300489.
Menkes kinky-hair syndrome (MNK). Also called: Classic Menkes Disease; Copper transport disease; Menkes Disease. Identifiers: Orphanet 565, MedGen C0022716, MONDO:0010651, OMIM 309400.

Submission:

Labcorp Genetics (formerly Invitae), Labcorp
Classification: Uncertain significance for X-linked distal spinal muscular atrophy type 3; Cutis laxa, X-linked; Menkes kinky-hair syndrome. Last evaluated: 2021-01-31. Review status: criteria provided, single submitter. Criteria: Invitae Variant Classification Sherloc (09022015). Collection method: clinical testing. Allele origin: germline.
Comment: In summary, the available evidence is currently insufficient to determine the role of this variant in disease. Therefore, it has been classified as a Variant of Uncertain Significance. Advanced modeling of protein sequence and biophysical properties (such as structural, functional, and spatial information, amino acid conservation, physicochemical variation, residue mobility, and thermodynamic stability) performed at Invitae indicates that this missense variant is not expected to disrupt ATP7A protein function. This variant has not been reported in the literature in individuals with ATP7A-related conditions. This variant is not present in population databases (ExAC no frequency). This sequence change replaces phenylalanine with leucine at codon 1492 of the ATP7A protein (p.Phe1492Leu). The phenylalanine residue is moderately conserved and there is a small physicochemical difference between phenylalanine and leucine.

NM_000052.7(ATP7A):c.4476C>G (p.Phe1492Leu)

Gene: ATP7A (ATPase copper transporting alpha; plus strand). Cytogenetic location: Xq21.1.
Variant type: single nucleotide variant.
Coding change: c.4476C>G on transcript NM_000052.7 (MANE Select); coding-DNA position 4476, C replaced by G.
Protein change: p.Phe1492Leu; replaces phenylalanine 1492 with leucine.
Molecular consequence: missense variant. On other transcripts: non-coding transcript variant (1).
Genome position (GRCh38, 1-based): chrX:78,046,543, C>G. VCF-style: chrX-78046543-C-G. GRCh37 (hg19) VCF-style: chrX-77302040-C-G.
Other names: c.4242C>G, p.Phe1414Leu (NM_001282224.2); short protein forms F1414L, F1492L.
Identifiers: ClinVar variation 1406286 (VCV001406286.8), dbSNP rs2149114133, ClinGen allele CA413606506.